The following is an entry in ClinVar:

ClinVar aggregate classification (germline): Uncertain significance (1 of 4 stars; one submission).

Conditions:
Cardiovascular phenotype. Identifiers: MedGen CN230736.

Submission:

Ambry Genetics
Classification: Uncertain significance for Cardiovascular phenotype. Last evaluated: 2024-03-30. Review status: criteria provided, single submitter. Criteria: Ambry Variant Classification Scheme 2023. Collection method: clinical testing. Allele origin: germline.
Comment: The p.Q422R variant (also known as c.1265A>G), located in coding exon 9 of the CACNA1C gene, results from an A to G substitution at nucleotide position 1265. The glutamine at codon 422 is replaced by arginine, an amino acid with highly similar properties. This amino acid position is highly conserved in available vertebrate species. In addition, this alteration is predicted to be deleterious by in silico analysis. Based on the available evidence, the clinical significance of this alteration remains unclear.

NM_000719.7(CACNA1C):c.1265A>G (p.Gln422Arg)

Gene: CACNA1C (calcium voltage-gated channel subunit alpha1 C; plus strand). Cytogenetic location: 12p13.33.
Variant type: single nucleotide variant.
Coding change: c.1265A>G on transcript NM_000719.7 (MANE Select); coding-DNA position 1265, A replaced by G.
Protein change: p.Gln422Arg; replaces glutamine 422 with arginine.
Molecular consequence: missense variant.
Genome position (GRCh38, 1-based): chr12:2,512,859, A>G. VCF-style: chr12-2512859-A-G. GRCh37 (hg19) VCF-style: chr12-2622025-A-G.
Other names: c.1265A>G, p.Gln422Arg (NM_001129827.2, NM_001129829.2, NM_001129830.3 and 18 more transcripts); c.1256A>G, p.Gln419Arg (NM_001129844.2); short protein forms Q422R, Q419R.
Identifiers: ClinVar variation 3262714 (VCV003262714.1).